The following is an entry in ClinVar:

NM_006516.4(SLC2A1):c.1268A>C (p.Gln423Pro)

Gene: SLC2A1 (solute carrier family 2 member 1; minus strand). Cytogenetic location: 1p34.2.
Variant type: single nucleotide variant.
Coding change: c.1268A>C on transcript NM_006516.4 (MANE Select); coding-DNA position 1268, A replaced by C.
Protein change: p.Gln423Pro; replaces glutamine 423 with proline.
Molecular consequence: missense variant.
Genome position (GRCh38, 1-based): chr1:42,927,615, T>G on the plus strand (A>C on the coding strand, the complement: SLC2A1 is on the minus strand). VCF-style: chr1-42927615-T-G. GRCh37 (hg19) VCF-style: chr1-43393286-T-G.
Other names: short protein forms Q423P.
Identifiers: ClinVar variation 935591 (VCV000935591.11), dbSNP rs587784392, ClinGen allele CA339953622.
Genomic context (GRCh38, chr1:42,927,615, plus strand): 5'-ACTGTGGGGTCATGCGTGCGGGTGAGTATAGAGACAGTGGGGGTTCTCACCTCCACATAC[T>G]GGAAGCACATGCCCACAATGAAATTTGAGGTCCAGTTGGAGAAGCCTGCAACGGCAATGG-3'
Protein context (NP_006507.2, residues 413-433): TSNFIVGMCF[Gln423Pro]YVEQLCGPYV

ClinVar aggregate classification (germline): Uncertain significance. Review status: criteria provided, multiple submitters, no conflicts (2 of 4 stars). 2 submissions from 2 submitters: Uncertain significance (2). Last evaluated 2024-11-25.

Conditions:
Inborn genetic diseases. Identifiers: MedGen C0950123, MeSH D030342.
GLUT1 deficiency syndrome 1, autosomal recessive. Identifiers: MedGen C3149117.

Submissions (2):

Ambry Genetics
Classification: Uncertain significance for Inborn genetic diseases. Last evaluated: 2024-11-25. Review status: criteria provided, single submitter. Criteria: Ambry Variant Classification Scheme 2023. Collection method: clinical testing. Allele origin: germline.
Comment: The c.1268A>C (p.Q423P) alteration is located in exon 9 (coding exon 9) of the SLC2A1 gene. This alteration results from an A to C substitution at nucleotide position 1268, causing the glutamine (Q) at amino acid position 423 to be replaced by a proline (P). This variant was not reported in population-based cohorts in the Genome Aggregation Database (gnomAD). This amino acid position is well conserved in available vertebrate species. The in silico prediction for this alteration is inconclusive. Based on insufficient or conflicting evidence, the clinical significance of this alteration remains unclear.

Labcorp Genetics (formerly Invitae), Labcorp
Classification: Uncertain significance for GLUT1 deficiency syndrome 1, autosomal recessive. Last evaluated: 2019-09-03. Review status: criteria provided, single submitter. Criteria: Invitae Variant Classification Sherloc (09022015). Collection method: clinical testing. Allele origin: germline.
Comment: In summary, the available evidence is currently insufficient to determine the role of this variant in disease. Therefore, it has been classified as a Variant of Uncertain Significance. Algorithms developed to predict the effect of missense changes on protein structure and function (SIFT, PolyPhen-2, Align-GVGD) all suggest that this variant is likely to be tolerated, but these predictions have not been confirmed by published functional studies and their clinical significance is uncertain. This variant has not been reported in the literature in individuals with SLC2A1-related conditions. This variant is not present in population databases (ExAC no frequency). This sequence change replaces glutamine with proline at codon 423 of the SLC2A1 protein (p.Gln423Pro). The glutamine residue is moderately conserved and there is a moderate physicochemical difference between glutamine and proline.